The following is an entry in ClinVar:

ClinVar aggregate classification (germline): Uncertain significance (1 of 4 stars; one submission).

Submission:

GeneDx
Classification: Uncertain significance. Last evaluated: 2023-01-19. Review status: criteria provided, single submitter. Criteria: GeneDx Variant Classification Process June 2021. Collection method: clinical testing. Allele origin: germline. Affected: yes.
Comment: Not observed at significant frequency in large population cohorts (gnomAD); In silico analysis supports that this missense variant has a deleterious effect on protein structure/function; Has not been previously published as pathogenic or benign to our knowledge

NM_000516.7(GNAS):c.647A>T (p.Lys216Ile)

Gene: GNAS (GNAS complex locus; plus strand). Cytogenetic location: 20q13.32.
Variant type: single nucleotide variant.
Coding change: c.647A>T on transcript NM_000516.7 (MANE Select); coding-DNA position 647, A replaced by T.
Protein change: p.Lys216Ile; replaces lysine 216 with isoleucine.
Molecular consequence: missense variant. On other transcripts: 3 prime UTR variant (2).
Genome position (GRCh38, 1-based): chr20:58,909,411, A>T. VCF-style: chr20-58909411-A-T. GRCh37 (hg19) VCF-style: chr20-57484466-A-T.
Other names: c.650A>T, p.Lys217Ile (NM_001077488.5); c.602A>T, p.Lys201Ile (NM_001077489.4); c.*508A>T (NM_001077490.3); c.470A>T, p.Lys157Ile (NM_001309840.2, NM_001309861.2); c.551A>T, p.Lys184Ile (NM_001410912.1); c.2531A>T, p.Lys844Ile (NM_001410913.1); c.*553A>T (NM_016592.5); c.2576A>T, p.Lys859Ile (NM_080425.4); and 1 more; short protein forms K157I, K184I, K201I, K202I, K216I, K217I, K844I, K859I.
Identifiers: ClinVar variation 2573762 (VCV002573762.1), dbSNP rs1430900196, ClinGen allele CA409452215.